The following is an entry in ClinVar:

ClinVar aggregate classification (germline): Conflicting classifications of pathogenicity. Review status: criteria provided, conflicting classifications (1 of 4 stars). 7 submissions from 7 submitters: Uncertain significance (1); Likely benign (6). Last evaluated 2025-12-16.

Conditions:
Cardiovascular phenotype. Identifiers: MedGen CN230736.
Dilated cardiomyopathy 1AA (CMD1AA). Also called: CARDIOMYOPATHY, DILATED, 1AA, WITH OR WITHOUT LEFT VENTRICULAR NONCOMPACTION; CARDIOMYOPATHY, FAMILIAL HYPERTROPHIC, 23, WITH OR WITHOUT LEFT VENTRICULAR NONCOMPACTION; Cardiomyopathy, dilated, 1AA, with or without LVNC. Identifiers: Orphanet 154, MedGen C2677338, MONDO:0012808, OMIM 612158.
Primary familial hypertrophic cardiomyopathy (HCM). Identifiers: Orphanet 99739, MedGen C0949658, MeSH D024741, MONDO:0024573. Inheritance: Various modes of inheritance.

Allele frequency attached by ClinVar (database versions not stated): gnomAD 0.00001 and 0.00003; TOPMed 0.00001; ExAC 0.00006; gnomAD exomes 0.00006 and 0.00007.
gnomAD v4.1: 88 of 1,613,918 alleles (0.0055%); highest among the groups gnomAD compares: South Asian, 0.057%; 2 homozygotes.

Submissions (7):

Labcorp Genetics (formerly Invitae), Labcorp
Classification: Likely benign for Primary familial hypertrophic cardiomyopathy; Dilated cardiomyopathy 1AA. Last evaluated: 2025-12-16. Review status: criteria provided, single submitter. Criteria: Invitae Variant Classification Sherloc (09022015). Collection method: clinical testing. Allele origin: germline.

Blueprint Genetics
Classification: Likely benign. Last evaluated: 2024-06-12. Review status: criteria provided, single submitter. Criteria: ACMG Guidelines, 2015. Collection method: clinical testing. Allele origin: germline.

Ambry Genetics
Classification: Likely benign for Cardiovascular phenotype. Last evaluated: 2019-03-04. Review status: criteria provided, single submitter. Criteria: Ambry Variant Classification Scheme 2023. Collection method: clinical testing. Allele origin: germline.

Illumina Laboratory Services, Illumina
Classification: Uncertain significance for Dilated cardiomyopathy 1AA. Last evaluated: 2018-01-12. Review status: criteria provided, single submitter. Criteria: ICSL Variant Classification Criteria 13 December 2019. Collection method: clinical testing. Allele origin: germline.

GeneDx
Classification: Likely benign. Last evaluated: 2017-12-14. Review status: criteria provided, single submitter. Criteria: GeneDx Variant Classification (06012015). Collection method: clinical testing. Allele origin: germline. Affected: yes.
Comment: This variant is considered likely benign or benign based on one or more of the following criteria: it is a conservative change, it occurs at a poorly conserved position in the protein, it is predicted to be benign by multiple in silico algorithms, and/or has population frequency not consistent with disease.

Laboratory for Molecular Medicine, Mass General Brigham Personalized Medicine
Classification: Likely benign. Last evaluated: 2012-10-19. Review status: criteria provided, single submitter. Criteria: LMM Criteria. Collection method: clinical testing. Allele origin: germline. Observed: 1 variant allele.
Comment: Ser363Ser in exon 10 of ACTN2: This variant is not expected to have clinical sig nificance because it does not alter an amino acid residue and is not located wit hin the splice consensus sequence. Ser363Ser in exon 10 of ACTN2 (allele freque ncy = n/a)

Molecular Diagnostic Laboratory for Inherited Cardiovascular Disease, Montreal Heart Institute
Classification: Likely benign. Review status: criteria provided, single submitter. Criteria: ACMG Guidelines, 2015. Collection method: clinical testing. Allele origin: germline. Affected: yes.

NM_001103.4(ACTN2):c.1089C>T (p.Ser363=)

Gene: ACTN2 (actinin alpha 2; plus strand). Cytogenetic location: 1q43.
Variant type: single nucleotide variant.
Coding change: c.1089C>T on transcript NM_001103.4 (MANE Select); coding-DNA position 1089, C replaced by T.
Protein change: p.Ser363=; no amino-acid change (serine 363 retained).
Molecular consequence: synonymous variant.
Genome position (GRCh38, 1-based): chr1:236,739,514, C>T. VCF-style: chr1-236739514-C-T. GRCh37 (hg19) VCF-style: chr1-236902814-C-T.
Other names: c.1089C>T, p.Ser363= (NM_001278343.2); c.465C>T, p.Ser155= (NM_001278344.2).
Identifiers: ClinVar variation 43894 (VCV000043894.23), dbSNP rs397516562, ClinGen allele CA133109.